The following is an entry in ClinVar:

NC_000023.11:g.(?_120441710)_(120449148_?)del

Gene: LAMP2 (lysosome associated membrane protein 2; minus strand). Cytogenetic location: Xq24.
Variant type: Deletion.
Identifiers: ClinVar variation 532016 (VCV000532016.7).

ClinVar aggregate classification (germline): Pathogenic (1 of 4 stars; one submission).

Conditions:
Danon disease. Also called: ANTOPOL DISEASE; PSEUDOGLYCOGENOSIS II; GSD IIb; LYSOSOMAL GLYCOGEN STORAGE DISEASE WITHOUT ACID MALTASE DEFICIENCY; Glycogen Storage Disease Type IIb. Identifiers: Orphanet 34587, MedGen C0878677, MONDO:0010281, OMIM 300257.

Submission:

Labcorp Genetics (formerly Invitae), Labcorp
Classification: Pathogenic for Danon disease. Last evaluated: 2021-04-08. Review status: criteria provided, single submitter. Criteria: Invitae Variant Classification Sherloc (09022015). Collection method: clinical testing. Allele origin: germline.
Comment: For these reasons, this variant has been classified as Pathogenic. This variant has been observed in individual(s) with LAMP2-related disease (Invitae). In at least one individual the variant was observed to be de novo. This variant is a gross deletion of the genomic region encompassing exon(s) 4-8 of the LAMP2 gene. This variant would be expected to be in-frame, preserving the integrity of the reading frame.